The following is an entry in ClinVar:

ClinVar aggregate classification (germline): Uncertain significance. Review status: criteria provided, multiple submitters, no conflicts (2 of 4 stars). 2 submissions from 2 submitters: Uncertain significance (2). Last evaluated 2022-10-17.

Conditions:
Mucolipidosis type IV (ML4). Also called: ML IV. Identifiers: Orphanet 578, MedGen C0238286, MONDO:0009653, OMIM 252650.

Allele frequency attached by ClinVar (database versions not stated): ExAC 0.00002; gnomAD 0.00003; gnomAD exomes 0.00003; TOPMed 0.00003.
gnomAD v4.1: 45 of 1,614,084 alleles (0.0028%); highest among the groups gnomAD compares: East Asian, 0.036%; no homozygotes.

Submissions (2):

Labcorp Genetics (formerly Invitae), Labcorp
Classification: Uncertain significance for Mucolipidosis type IV. Last evaluated: 2022-10-17. Review status: criteria provided, single submitter. Criteria: Invitae Variant Classification Sherloc (09022015). Collection method: clinical testing. Allele origin: germline.
Comment: This sequence change replaces arginine, which is basic and polar, with tryptophan, which is neutral and slightly polar, at codon 340 of the MCOLN1 protein (p.Arg340Trp). This variant is present in population databases (rs781198432, gnomAD 0.02%). This variant has not been reported in the literature in individuals affected with MCOLN1-related conditions. Advanced modeling of protein sequence and biophysical properties (such as structural, functional, and spatial information, amino acid conservation, physicochemical variation, residue mobility, and thermodynamic stability) has been performed at Invitae for this missense variant, however the output from this modeling did not meet the statistical confidence thresholds required to predict the impact of this variant on MCOLN1 protein function. In summary, the available evidence is currently insufficient to determine the role of this variant in disease. Therefore, it has been classified as a Variant of Uncertain Significance.

Blueprint Genetics
Classification: Uncertain significance. Last evaluated: 2019-12-19. Review status: criteria provided, single submitter. Criteria: ACMG Guidelines, 2015. Collection method: clinical testing. Allele origin: germline.

NM_020533.3(MCOLN1):c.1018C>T (p.Arg340Trp)

Gene: MCOLN1 (mucolipin TRP cation channel 1; plus strand). Cytogenetic location: 19p13.2.
Variant type: single nucleotide variant.
Coding change: c.1018C>T on transcript NM_020533.3 (MANE Select); coding-DNA position 1018, C replaced by T.
Protein change: p.Arg340Trp; replaces arginine 340 with tryptophan.
Molecular consequence: missense variant.
Genome position (GRCh38, 1-based): chr19:7,528,854, C>T. VCF-style: chr19-7528854-C-T. GRCh37 (hg19) VCF-style: chr19-7593740-C-T.
Other names: short protein forms R340W.
Identifiers: ClinVar variation 2139746 (VCV002139746.2), dbSNP rs781198432, ClinGen allele CA9139002.